The following is an entry in ClinVar:

NM_198859.4(PRICKLE2):c.1963C>G (p.Pro655Ala)

Genes: PRICKLE2 (prickle planar cell polarity protein 2; minus strand), PRICKLE2-AS1 (PRICKLE2 antisense RNA 1; plus strand). Cytogenetic location: 3p14.1.
Variant type: single nucleotide variant.
Coding change: c.1963C>G on transcript NM_198859.4 (MANE Select); coding-DNA position 1963, C replaced by G.
Protein change: p.Pro655Ala; replaces proline 655 with alanine.
Molecular consequence: missense variant. On other transcripts: non-coding transcript variant (1).
Genome position (GRCh38, 1-based): chr3:64,099,623, G>C on the plus strand (C>G on the coding strand, the complement: PRICKLE2 is on the minus strand). VCF-style: chr3-64099623-G-C. GRCh37 (hg19) VCF-style: chr3-64085299-G-C.
Other names: c.1963C>G, p.Pro655Ala (NM_001370528.1); short protein forms P655A.
Identifiers: ClinVar variation 2831647 (VCV002831647.3), dbSNP rs943622033, ClinGen allele CA75716188.

ClinVar aggregate classification (germline): Uncertain significance (1 of 4 stars; one submission).

Conditions:
Progressive myoclonic epilepsy type 5. Identifiers: Orphanet 402082, MedGen C5190799.

Submission:

Labcorp Genetics (formerly Invitae), Labcorp
Classification: Uncertain significance for Progressive myoclonic epilepsy type 5. Last evaluated: 2024-01-30. Review status: criteria provided, single submitter. Criteria: Invitae Variant Classification Sherloc (09022015). Collection method: clinical testing. Allele origin: germline.
Comment: This sequence change replaces proline, which is neutral and non-polar, with alanine, which is neutral and non-polar, at codon 655 of the PRICKLE2 protein (p.Pro655Ala). This variant is not present in population databases (gnomAD no frequency). This variant has not been reported in the literature in individuals affected with PRICKLE2-related conditions. Algorithms developed to predict the effect of missense changes on protein structure and function output the following: SIFT: "Not Available"; PolyPhen-2: "Benign"; Align-GVGD: "Not Available". The alanine amino acid residue is found in multiple mammalian species, which suggests that this missense change does not adversely affect protein function. In summary, the available evidence is currently insufficient to determine the role of this variant in disease. Therefore, it has been classified as a Variant of Uncertain Significance.